The following is an entry in ClinVar:

ClinVar aggregate classification (germline): Uncertain significance (1 of 4 stars; one submission).

Conditions:
Cardiovascular phenotype. Identifiers: MedGen CN230736.

Allele frequency attached by ClinVar (database versions not stated): gnomAD exomes below 0.00001.
gnomAD v4.1: 1 of 1,614,172 alleles (0.000062%); highest among the groups gnomAD compares: Non-Finnish European, 0.000085%; no homozygotes.

Submission:

Ambry Genetics
Classification: Uncertain significance for Cardiovascular phenotype. Last evaluated: 2021-10-21. Review status: criteria provided, single submitter. Criteria: Ambry Variant Classification Scheme 2023. Collection method: clinical testing. Allele origin: germline.
Comment: The c.52+4A>G intronic variant results from an A to G substitution 4 nucleotides after coding exon 2 in the TNNT2 gene. This nucleotide position is highly conserved in available vertebrate species. In silico splice site analysis for this alteration is inconclusive. Since supporting evidence is limited at this time, the clinical significance of this alteration remains unclear.

NM_001276345.2(TNNT2):c.52+4A>G

Gene: TNNT2 (troponin T2, cardiac type; minus strand). Cytogenetic location: 1q32.1.
Variant type: single nucleotide variant.
Coding change: c.52+4A>G on transcript NM_001276345.2 (MANE Select); 4 bases into the intron after coding-DNA position 52, A replaced by G.
Molecular consequence: intron variant.
Genome position (GRCh38, 1-based): chr1:201,372,141, T>C on the plus strand (A>G on the coding strand, the complement: TNNT2 is on the minus strand). VCF-style: chr1-201372141-T-C. GRCh37 (hg19) VCF-style: chr1-201341269-T-C.
Other names: c.52+4A>G (NM_001001432.3, NM_001001431.3, NM_001001430.3 and 3 more transcripts).
Identifiers: ClinVar variation 1746036 (VCV001746036.2), dbSNP rs2527139875, ClinGen allele CA2580061883.